The following is an entry in ClinVar:

NM_000384.3(APOB):c.6371A>G (p.Asp2124Gly)

Gene: APOB (apolipoprotein B; minus strand). Cytogenetic location: 2p24.1.
Variant type: single nucleotide variant.
Coding change: c.6371A>G on transcript NM_000384.3 (MANE Select); coding-DNA position 6371, A replaced by G.
Protein change: p.Asp2124Gly; replaces aspartic acid 2124 with glycine.
Molecular consequence: missense variant.
Genome position (GRCh38, 1-based): chr2:21,010,497, T>C on the plus strand (A>G on the coding strand, the complement: APOB is on the minus strand). VCF-style: chr2-21010497-T-C. GRCh37 (hg19) VCF-style: chr2-21233369-T-C.
Other names: short protein forms D2124G.
Identifiers: ClinVar variation 2923392 (VCV002923392.6), dbSNP rs775307632, ClinGen allele CA063133.

ClinVar aggregate classification (germline): Uncertain significance. Review status: criteria provided, multiple submitters, no conflicts (2 of 4 stars). 3 submissions from 3 submitters: Uncertain significance (2). 1 of the submissions does not count toward it. Last evaluated 2026-09-11.

Conditions:
APOB-related disorder. Also called: APOB-related condition; APOB-related disorders.
Familial hypobetalipoproteinemia 1. Also called: APOB-Related Familial Hypobetalipoproteinemia; Hypobetalipoproteinemia, normotriglyceridemic; Acanthocytosis with hypobetalipoproteinemia. Identifiers: MedGen C4551990, MONDO:0014252, OMIM 615558.
Hypercholesterolemia, autosomal dominant, type B (FHCL2). Also called: Familial hypercholesterolemia 2; Hyperlipoproteinemia Type IIb; Familial Hypercholesterolemia Type B; APOB-Related Familial Hypercholesterolemia, Autosomal Dominant; APOLIPOPROTEIN B-100, FAMILIAL DEFECTIVE; APOLIPOPROTEIN B-100, FAMILIAL LIGAND-DEFECTIVE. Identifiers: MedGen C1704417, MONDO:0007751, OMIM 144010.
Cardiovascular phenotype. Identifiers: MedGen CN230736.

Allele frequency attached by ClinVar (database versions not stated): gnomAD exomes below 0.00001; ExAC 0.00001; TOPMed below 0.00001.
gnomAD v4.1: 1 of 1,610,448 alleles (0.000062%); highest among the groups gnomAD compares: Non-Finnish European, 0.000085%; no homozygotes.

Submissions (3):

Ambry Genetics
Classification: Uncertain significance for Cardiovascular phenotype. Last evaluated: 2026-09-11. Review status: criteria provided, single submitter. Criteria: Ambry Variant Classification Scheme 2023. Collection method: clinical testing. Allele origin: germline.
Comment: The p.D2124G variant (also known as c.6371A>G), located in coding exon 26 of the APOB gene, results from an A to G substitution at nucleotide position 6371. The aspartic acid at codon 2124 is replaced by glycine, an amino acid with similar properties. This amino acid position is conserved. In addition, this alteration is predicted to be tolerated by in silico analysis. Based on the available evidence, the clinical significance of this variant remains unclear.

Labcorp Genetics (formerly Invitae), Labcorp
Classification: Uncertain significance for Familial hypobetalipoproteinemia 1; Hypercholesterolemia, autosomal dominant, type B. Last evaluated: 2023-10-08. Review status: criteria provided, single submitter. Criteria: Invitae Variant Classification Sherloc (09022015). Collection method: clinical testing. Allele origin: germline.
Comment: This sequence change replaces aspartic acid, which is acidic and polar, with glycine, which is neutral and non-polar, at codon 2124 of the APOB protein (p.Asp2124Gly). This variant is present in population databases (rs775307632, gnomAD 0.0009%). This variant has not been reported in the literature in individuals affected with APOB-related conditions. ClinVar contains an entry for this variant (Variation ID: 918978). Advanced modeling of protein sequence and biophysical properties (such as structural, functional, and spatial information, amino acid conservation, physicochemical variation, residue mobility, and thermodynamic stability) performed at Invitae indicates that this missense variant is not expected to disrupt APOB protein function. In summary, the available evidence is currently insufficient to determine the role of this variant in disease. Therefore, it has been classified as a Variant of Uncertain Significance.

PreventionGenetics, part of Exact Sciences
Classification: Uncertain significance for APOB-related condition. Last evaluated: 2024-06-07. Review status: no assertion criteria provided. Collection method: clinical testing. Allele origin: germline. Not counted in ClinVar's aggregate classification.
Comment: The APOB c.6371A>G variant is predicted to result in the amino acid substitution p.Asp2124Gly. To our knowledge, this variant has not been reported in the literature. This variant is reported in 0.00089% of alleles in individuals of European (Non-Finnish) descent in gnomAD. At this time, the clinical significance of this variant is uncertain due to the absence of conclusive functional and genetic evidence.